The following is an entry in ClinVar:

NM_153704.6(TMEM67):c.493_499delinsCCTTAT (p.Ala165fs)

Gene: TMEM67 (transmembrane protein 67; plus strand). Cytogenetic location: 8q22.1.
Variant type: Indel.
Coding change: c.493_499delinsCCTTAT on transcript NM_153704.6 (MANE Select); coding-DNA positions 493 to 499, GCTTTAG replaced by CCTTAT.
Protein change: p.Ala165fs; shifts the reading frame from alanine 165.
Molecular consequence: frameshift variant. On other transcripts: non-coding transcript variant (1).
Genome position (GRCh38, 1-based): chr8:93,763,928-93,763,934, GCTTTAG replaced by CCTTAT. VCF-style: chr8-93763928-GCTTTAG-CCTTAT. GRCh37 (hg19) VCF-style: chr8-94776156-GCTTTAG-CCTTAT.
Other names: c.250_256delinsCCTTAT, p.Ala84fs (NM_001142301.1); c.493_499delGCTTTAGinsCCTTAT, p.Ala165Profs (NM_153704.5); short protein forms A165fs, A84fs.
Identifiers: ClinVar variation 3347103 (VCV003347103.1).

ClinVar aggregate classification (germline): Pathogenic (0 of 4 stars; one submission).

Conditions:
TMEM67-related disorder. Also called: TMEM67-related condition; TMEM67-related disorders. Identifiers: MedGen CN239423.

Submission:

PreventionGenetics, part of Exact Sciences
Classification: Pathogenic for TMEM67-related condition. Last evaluated: 2024-09-11. Review status: no assertion criteria provided. Collection method: clinical testing. Allele origin: germline.
Comment: The TMEM67 c.493_499delinsCCTTAT variant is predicted to result in a frameshift and premature protein termination (p.Ala165Profs*28). To our knowledge, this variant has not been reported in the literature or in a large population database, indicating this variant is rare. Frameshift variants in TMEM67 are expected to be pathogenic. This variant is interpreted as pathogenic.